The following is an entry in ClinVar:

NM_001077350.3(NPRL3):c.284G>A (p.Gly95Glu)

Genes: HBA-LCR (alpha-globin locus control region; plus strand), NPRL3 (NPR3 like, GATOR1 complex subunit; minus strand). Cytogenetic location: 16p13.3.
Variant type: single nucleotide variant.
Coding change: c.284G>A on transcript NM_001077350.3 (MANE Select); coding-DNA position 284, G replaced by A.
Protein change: p.Gly95Glu; replaces glycine 95 with glutamic acid.
Molecular consequence: missense variant. On other transcripts: intron variant (1).
Genome position (GRCh38, 1-based): chr16:119,160, C>T on the plus strand (G>A on the coding strand, the complement: NPRL3 is on the minus strand). VCF-style: chr16-119160-C-T. GRCh37 (hg19) VCF-style: chr16-169159-C-T.
Other names: c.50G>A, p.Gly17Glu (NM_001243247.2); c.284G>A, p.Gly95Glu (NM_001243248.2, NM_001243249.2); c.-144-6385G>A (NM_001039476.3); short protein forms G17E, G95E.
Identifiers: ClinVar variation 1706988 (VCV001706988.2), dbSNP rs2542869717, ClinGen allele CA393995271.

ClinVar aggregate classification (germline): Uncertain significance (1 of 4 stars; one submission).

Submission:

GeneDx
Classification: Uncertain significance. Last evaluated: 2022-03-21. Review status: criteria provided, single submitter. Criteria: GeneDx Variant Classification Process June 2021. Collection method: clinical testing. Allele origin: germline. Affected: yes.
Comment: Not observed at significant frequency in large population cohorts (gnomAD); In silico analysis supports that this missense variant has a deleterious effect on protein structure/function; Has not been previously published as pathogenic or benign to our knowledge